The following is an entry in ClinVar:

NM_020975.6(RET):c.407A>G (p.Glu136Gly)

Gene: RET (ret proto-oncogene; plus strand). Cytogenetic location: 10q11.21.
Variant type: single nucleotide variant.
Coding change: c.407A>G on transcript NM_020975.6 (MANE Select); coding-DNA position 407, A replaced by G.
Protein change: p.Glu136Gly; replaces glutamic acid 136 with glycine.
Molecular consequence: missense variant.
Genome position (GRCh38, 1-based): chr10:43,102,411, A>G. VCF-style: chr10-43102411-A-G. GRCh37 (hg19) VCF-style: chr10-43597859-A-G.
Other names: c.407A>G, p.Glu136Gly (NM_000323.2, NM_001406743.1, NM_001406744.1 and 16 more transcripts); short protein forms E136G.
Identifiers: ClinVar variation 2093435 (VCV002093435.4), dbSNP rs2132679677, ClinGen allele CA376770755.

ClinVar aggregate classification (germline): Uncertain significance (1 of 4 stars; one submission).

Conditions:
Multiple endocrine neoplasia, type 2 (MEN2). Identifiers: Orphanet 653, MedGen C4048306, MONDO:0019003. Disease mechanism: gain of function.

Submission:

Labcorp Genetics (formerly Invitae), Labcorp
Classification: Uncertain significance for Multiple endocrine neoplasia, type 2. Last evaluated: 2022-03-06. Review status: criteria provided, single submitter. Criteria: Invitae Variant Classification Sherloc (09022015). Collection method: clinical testing. Allele origin: germline.
Comment: This variant has not been reported in the literature in individuals affected with RET-related conditions. This variant is not present in population databases (gnomAD no frequency). This sequence change replaces glutamic acid, which is acidic and polar, with glycine, which is neutral and non-polar, at codon 136 of the RET protein (p.Glu136Gly). Algorithms developed to predict the effect of missense changes on protein structure and function (SIFT, PolyPhen-2, Align-GVGD) all suggest that this variant is likely to be tolerated. In summary, the available evidence is currently insufficient to determine the role of this variant in disease. Therefore, it has been classified as a Variant of Uncertain Significance.